The following is an entry in ClinVar:

ClinVar aggregate classification (germline): Uncertain significance (1 of 4 stars; one submission).

Submission:

Labcorp Genetics (formerly Invitae), Labcorp
Classification: Uncertain significance. Last evaluated: 2025-12-03. Review status: criteria provided, single submitter. Criteria: Invitae Variant Classification Sherloc (09022015). Collection method: clinical testing. Allele origin: germline.
Comment: This sequence change falls in intron 17 of the CSF1R gene. It does not directly change the encoded amino acid sequence of the CSF1R protein. This variant is not present in population databases (gnomAD no frequency). This variant has not been reported in the literature in individuals affected with CSF1R-related conditions. Algorithms developed to predict the effect of sequence changes on RNA splicing suggest that this variant may create or strengthen a splice site. In summary, the available evidence is currently insufficient to determine the role of this variant in disease. Therefore, it has been classified as a Variant of Uncertain Significance.

NM_001288705.3(CSF1R):c.2319+7A>G

Gene: CSF1R (colony stimulating factor 1 receptor; minus strand). Cytogenetic location: 5q32.
Variant type: single nucleotide variant.
Coding change: c.2319+7A>G on transcript NM_001288705.3 (MANE Select); 7 bases into the intron after coding-DNA position 2319, A replaced by G.
Molecular consequence: intron variant.
Genome position (GRCh38, 1-based): chr5:150,057,280, T>C on the plus strand (A>G on the coding strand, the complement: CSF1R is on the minus strand). VCF-style: chr5-150057280-T-C. GRCh37 (hg19) VCF-style: chr5-149436843-T-C.
Other names: c.1875+7A>G (NM_001375321.1); c.2319+7A>G (NM_005211.4, NM_001375320.1, NM_001349736.2).
Identifiers: ClinVar variation 4766065 (VCV004766065.1).